The following is an entry in ClinVar:

NM_170601.5(SIAE):c.94A>G (p.Ile32Val)

Gene: SIAE (sialic acid acetylesterase; minus strand). Cytogenetic location: 11q24.2.
Variant type: single nucleotide variant.
Coding change: c.94A>G on transcript NM_170601.5 (MANE Select); coding-DNA position 94, A replaced by G.
Protein change: p.Ile32Val; replaces isoleucine 32 with valine.
Molecular consequence: missense variant. On other transcripts: 5 prime UTR variant (1).
Genome position (GRCh38, 1-based): chr11:124,669,495, T>C on the plus strand (A>G on the coding strand, the complement: SIAE is on the minus strand). VCF-style: chr11-124669495-T-C. GRCh37 (hg19) VCF-style: chr11-124539391-T-C.
Other names: c.-12A>G (NM_001199922.2); short protein forms I32V.
Identifiers: ClinVar variation 4763286 (VCV004763286.1).
Genomic context (GRCh38, chr11:124,669,495, plus strand): 5'-TACCGAAGCCCCATATCACTGCCCCAGCAGGCTCCTTCTGCAGCACCATATCATTATTGA[T>C]GTATGAAGCAAAGCGAAAACCAATACCTAAAAAATTTAACAAACACTGAGGGAAGCATCA-3'
Protein context (NP_733746.1, residues 22-42): AGIGFRFASY[Ile32Val]NNDMVLQKEP

ClinVar aggregate classification (germline): Uncertain significance (1 of 4 stars; one submission).

gnomAD v4.1: 2 of 1,614,148 alleles (0.00012%); highest among the groups gnomAD compares: South Asian, 0.0011%; no homozygotes.

Submission:

Labcorp Genetics (formerly Invitae), Labcorp
Classification: Uncertain significance. Last evaluated: 2025-07-02. Review status: criteria provided, single submitter. Criteria: Invitae Variant Classification Sherloc (09022015). Collection method: clinical testing. Allele origin: germline.
Comment: This sequence change replaces isoleucine, which is neutral and non-polar, with valine, which is neutral and non-polar, at codon 32 of the SIAE protein (p.Ile32Val). This variant is present in population databases (rs751436066, gnomAD 0.0009%). This variant has not been reported in the literature in individuals affected with SIAE-related conditions. An algorithm developed to predict the effect of missense changes on protein structure and function (PolyPhen-2) suggests that this variant is likely to be tolerated. In summary, the available evidence is currently insufficient to determine the role of this variant in disease. Therefore, it has been classified as a Variant of Uncertain Significance.